The following is an entry in ClinVar:

ClinVar aggregate classification (germline): Likely benign. Review status: criteria provided, multiple submitters, no conflicts (2 of 4 stars). 3 submissions from 3 submitters: Likely benign (3). Last evaluated 2025-10-02.

Conditions:
Autosomal recessive limb-girdle muscular dystrophy type 2K. Also called: MUSCULAR DYSTROPHY-DYSTROGLYCANOPATHY (LIMB-GIRDLE), TYPE C, 1; MUSCULAR DYSTROPHY, LIMB-GIRDLE, TYPE 2K. Identifiers: Orphanet 86812, MedGen C1836373, MONDO:0012248, OMIM 609308.
Muscular dystrophy-dystroglycanopathy (congenital with impaired intellectual development), type B, 1. Also called: Muscular dystrophy-dystroglycanopathy (congenital with intellectual disability), type B1; MUSCULAR DYSTROPHY, CONGENITAL, POMT1-RELATED. Identifiers: MedGen C5436962, MONDO:0013159, OMIM 613155.
Walker-Warburg congenital muscular dystrophy. Also called: Muscular dystrophy-dystroglycanopathy, type A; Walker-Warburg syndrome. Identifiers: Orphanet 899, MedGen C0265221, MONDO:0000171.

gnomAD v4.1: 9 of 1,614,036 alleles (0.00056%); highest among the groups gnomAD compares: Middle Eastern, 0.15%; no homozygotes.

Submissions (3):

Labcorp Genetics (formerly Invitae), Labcorp
Classification: Likely benign for Muscular dystrophy-dystroglycanopathy (congenital with impaired intellectual development), type B, 1; Walker-Warburg congenital muscular dystrophy; Autosomal recessive limb-girdle muscular dystrophy type 2K. Last evaluated: 2025-10-02. Review status: criteria provided, single submitter. Criteria: Invitae Variant Classification Sherloc (09022015). Collection method: clinical testing. Allele origin: germline.

GeneDx
Classification: Likely benign. Last evaluated: 2016-11-10. Review status: criteria provided, single submitter. Criteria: GeneDx Variant Classification (06012015). Collection method: clinical testing. Allele origin: germline. Affected: yes.
Comment: This variant is considered likely benign or benign based on one or more of the following criteria: it is a conservative change, it occurs at a poorly conserved position in the protein, it is predicted to be benign by multiple in silico algorithms, and/or has population frequency not consistent with disease.

PreventionGenetics, part of Exact Sciences
Classification: Likely benign. Review status: criteria provided, single submitter. Criteria: ACMG Guidelines, 2015. Collection method: clinical testing. Allele origin: germline.

NM_001077365.2(POMT1):c.699+85C>T

Gene: POMT1 (protein O-mannosyltransferase 1; plus strand). Cytogenetic location: 9q34.13.
Variant type: single nucleotide variant.
Coding change: c.699+85C>T on transcript NM_001077365.2 (MANE Select); 85 bases into the intron after coding-DNA position 699, C replaced by T.
Molecular consequence: intron variant. On other transcripts: missense variant (1).
Genome position (GRCh38, 1-based): chr9:131,510,081, C>T. VCF-style: chr9-131510081-C-T. GRCh37 (hg19) VCF-style: chr9-134385468-C-T.
Other names: c.622C>T, p.Pro208Ser (NM_001374689.1); c.603+19C>T (NM_001353198.2, NM_001353197.2); c.765+19C>T (NM_001353193.2, NM_007171.4); c.699+85C>T (NM_001136113.2, NM_001374690.1); c.537+85C>T (NM_001353194.2, NM_001077366.2, NM_001374693.1); c.348+85C>T (NM_001374691.1, NM_001353195.2, NM_001374692.1 and 1 more transcripts); c.609+85C>T (NM_001353196.2); c.309+19C>T (NM_001374695.1); and 2 more; short protein forms P208S.
Identifiers: ClinVar variation 260150 (VCV000260150.10), dbSNP rs369000699, ClinGen allele CA10587019.